The following is an entry in ClinVar:

ClinVar aggregate classification (germline): Uncertain significance (1 of 4 stars; one submission).

Submission:

GeneDx
Classification: Uncertain significance. Last evaluated: 2023-05-03. Review status: criteria provided, single submitter. Criteria: GeneDx Variant Classification Process June 2021. Collection method: clinical testing. Allele origin: germline. Affected: yes.
Comment: Not observed at significant frequency in large population cohorts (gnomAD); In silico analysis supports that this missense variant has a deleterious effect on protein structure/function; Has not been previously published as pathogenic or benign to our knowledge

NM_020937.4(FANCM):c.1978T>C (p.Ser660Pro)

Gene: FANCM (FA complementation group M; plus strand). Cytogenetic location: 14q21.2.
Variant type: single nucleotide variant.
Coding change: c.1978T>C on transcript NM_020937.4 (MANE Select); coding-DNA position 1978, T replaced by C.
Protein change: p.Ser660Pro; replaces serine 660 with proline.
Molecular consequence: missense variant.
Genome position (GRCh38, 1-based): chr14:45,167,139, T>C. VCF-style: chr14-45167139-T-C. GRCh37 (hg19) VCF-style: chr14-45636342-T-C.
Other names: c.1900T>C, p.Ser634Pro (NM_001308133.2); c.1978T>C, p.Ser660Pro (NM_001308134.2); short protein forms S634P, S660P.
Identifiers: ClinVar variation 2662416 (VCV002662416.1), dbSNP rs2503151296, ClinGen allele CA389595182.